The following is an entry in ClinVar:

NM_018993.4(RIN2):c.2418C>A (p.Thr806=)

Gene: RIN2 (Ras and Rab interactor 2; plus strand). Cytogenetic location: 20p11.23.
Variant type: single nucleotide variant.
Coding change: c.2418C>A on transcript NM_018993.4 (MANE Select); coding-DNA position 2418, C replaced by A.
Protein change: p.Thr806=; no amino-acid change (threonine 806 retained).
Molecular consequence: synonymous variant.
Genome position (GRCh38, 1-based): chr20:20,000,666, C>A. VCF-style: chr20-20000666-C-A. GRCh37 (hg19) VCF-style: chr20-19981310-C-A.
Other names: c.2565C>A, p.Thr855= (NM_001242581.2); c.1800C>A, p.Thr600= (NM_001378238.1).
Identifiers: ClinVar variation 508286 (VCV000508286.13), dbSNP rs114329888, ClinGen allele CA9780301.
Genomic context (GRCh38, chr20:20,000,666, plus strand): 5'-CCTGCAGAATTACCTCCGAGTTGCATTTCAGGAGGTCAACAGTGGTTGCACAGGAAAGAC[C>A]CTCCTTGTGAGACCTTACATCACCACTGAGGATGTGTGTCAGATCTGCGCTGAGAAGTTC-3'
Protein context (NP_061866.1, residues 796-816): QEVNSGCTGK[Thr806=]LLVRPYITTE

ClinVar aggregate classification (germline): Benign/Likely benign. Review status: criteria provided, multiple submitters, no conflicts (2 of 4 stars). 3 submissions from 3 submitters: Benign (1); Likely benign (2). Last evaluated 2026-08-01.

Allele frequency attached by ClinVar (database versions not stated): gnomAD exomes 0.00018 and 0.00052; ExAC 0.00066; ESP Exome Variant Server 0.00144; gnomAD 0.00202 and 0.00218; TOPMed 0.00208; 1000 Genomes Project 0.00240; 1000 Genomes Project 30x 0.00250.
gnomAD v4.1: 574 of 1,611,588 alleles (0.036%); highest among the groups gnomAD compares: African/African-American, 0.72%; 2 homozygotes.

Submissions (3):

CeGaT Center for Human Genetics Tuebingen
Classification: Likely benign. Last evaluated: 2026-08-01. Review status: criteria provided, single submitter. Criteria: CeGaT Center For Human Genetics Tuebingen Variant Classification Criteria Version 2. Collection method: clinical testing. Allele origin: germline. Affected: yes. Observed: 1 variant allele.
Comment: RIN2: BP4, BP7

Labcorp Genetics (formerly Invitae), Labcorp
Classification: Benign. Last evaluated: 2025-12-08. Review status: criteria provided, single submitter. Criteria: Invitae Variant Classification Sherloc (09022015). Collection method: clinical testing. Allele origin: germline.

GeneDx
Classification: Likely benign. Last evaluated: 2021-12-13. Review status: criteria provided, single submitter. Criteria: GeneDx Variant Classification Process June 2021. Collection method: clinical testing. Allele origin: germline. Affected: yes.